The following is an entry in ClinVar:

NM_000059.4(BRCA2):c.1272A>G (p.Ser424=)

Gene: BRCA2 (BRCA2 DNA repair associated; plus strand). Cytogenetic location: 13q13.1.
Variant type: single nucleotide variant.
Coding change: c.1272A>G on transcript NM_000059.4 (MANE Select); coding-DNA position 1272, A replaced by G.
Protein change: p.Ser424=; no amino-acid change (serine 424 retained).
Molecular consequence: synonymous variant.
Genome position (GRCh38, 1-based): chr13:32,332,750, A>G. VCF-style: chr13-32332750-A-G. GRCh37 (hg19) VCF-style: chr13-32906887-A-G.
Other names: NP_000050.3:p.Ser424=.
Identifiers: ClinVar variation 132687 (VCV000132687.49), dbSNP rs587780531, ClinGen allele CA011404.

ClinVar aggregate classification (germline): Likely benign. Review status: reviewed by expert panel (3 of 4 stars). 15 submissions from 15 submitters: Likely benign (1). 14 of the submissions do not count toward it. Last evaluated 2017-06-29.

Conditions:
Breast and/or ovarian cancer. Identifiers: MedGen CN221562.
BRCA2-related disorder. Also called: BRCA2-related condition; BRCA2-related disorders. Identifiers: MedGen CN239275.
Hereditary cancer-predisposing syndrome. Also called: Tumor predisposition; Hereditary neoplastic syndrome; Neoplastic Syndromes, Hereditary; Hereditary Cancer Syndrome. Identifiers: Orphanet 140162, MedGen C0027672, MeSH D009386, MONDO:0015356.
Hereditary breast ovarian cancer syndrome. Also called: Hereditary breast and ovarian cancer; BRCA1- and BRCA2-Associated Hereditary Breast and Ovarian Cancer; Hereditary breast and/or ovarian cancer syndrome; Hereditary breast and ovarian cancer syndrome; Hereditary breast and ovarian cancer syndrome (HBOC); Breast and ovarian cancer. Identifiers: Orphanet 145, MedGen C0677776, MeSH D061325, MONDO:0003582. Disease mechanism: loss of function.
Breast-ovarian cancer, familial, susceptibility to, 2 (BROVCA2). Also called: BRCA2 Hereditary Breast and Ovarian Cancer. Identifiers: Orphanet 145, MedGen C2675520, MONDO:0012933, OMIM 612555. Disease mechanism: loss of function.

Allele frequency attached by ClinVar (database versions not stated): gnomAD exomes 0.00001 and 0.00003; gnomAD 0.00010 and 0.00011; TOPMed 0.00014; ExAC 0.00002.
gnomAD v4.1: 37 of 1,608,278 alleles (0.0023%); highest among the groups gnomAD compares: African/African-American, 0.043%; no homozygotes.

Submissions (15):

Evidence-based Network for the Interpretation of Germline Mutant Alleles (ENIGMA)
Classification: Likely benign for Breast-ovarian cancer, familial, susceptibility to, 2. Last evaluated: 2017-06-29. Review status: reviewed by expert panel. Criteria: ENIGMA BRCA1/2 Classification Criteria (2017-06-29). Collection method: curation. Allele origin: germline.
Comment: Synonymous substitution variant, with low bioinformatic likelihood to result in a splicing aberration (Splicing prior probability 0.02).

Labcorp Genetics (formerly Invitae), Labcorp
Classification: Likely benign for Hereditary breast ovarian cancer syndrome. Last evaluated: 2026-01-26. Review status: criteria provided, single submitter. Criteria: Invitae Variant Classification Sherloc (09022015). Collection method: clinical testing. Allele origin: germline. Not counted in ClinVar's aggregate classification.

Blueprint Genetics
Classification: Likely benign. Last evaluated: 2024-11-13. Review status: criteria provided, single submitter. Criteria: ACMG Guidelines, 2015. Collection method: clinical testing. Allele origin: germline. Not counted in ClinVar's aggregate classification.

All of Us Research Program, National Institutes of Health
Classification: Likely benign for Breast-ovarian cancer, familial, susceptibility to, 2. Last evaluated: 2024-01-11. Review status: criteria provided, single submitter. Criteria: ACMG Guidelines, 2015. Collection method: clinical testing. Allele origin: germline. Inheritance: Autosomal dominant inheritance. Observed: 4 variant alleles, 4 heterozygotes. Not counted in ClinVar's aggregate classification.
Comment: This study involves interpretation of variants in research participants for the purpose of population health screening. Participant phenotype was not available at the time of variant classification. Additional details can be found in publication PMID: 35346344, PMCID: PMC8962531

KCCC/NGS Laboratory, Kuwait Cancer Control Center
Classification: Likely benign for Breast-ovarian cancer, familial, susceptibility to, 2. Last evaluated: 2023-07-07. Review status: criteria provided, single submitter. Criteria: ACMG Guidelines, 2015. Collection method: clinical testing. Allele origin: germline. Affected: yes. Not counted in ClinVar's aggregate classification.

Quest Diagnostics Nichols Institute San Juan Capistrano
Classification: Benign. Last evaluated: 2023-05-08. Review status: criteria provided, single submitter. Criteria: Quest Diagnostics criteria. Collection method: clinical testing. Allele origin: unknown. Not counted in ClinVar's aggregate classification.

CHEO Genetics Diagnostic Laboratory, Children's Hospital of Eastern Ontario
Classification: Likely benign for Breast and/or ovarian cancer. Last evaluated: 2023-01-25. Review status: criteria provided, single submitter. Criteria: ACMG Guidelines, 2015. Collection method: clinical testing. Allele origin: germline. Not counted in ClinVar's aggregate classification.

Sema4
Classification: Likely benign for Hereditary cancer-predisposing syndrome. Last evaluated: 2022-01-12. Review status: criteria provided, single submitter. Criteria: Sema4 Curation Guidelines. Collection method: curation. Allele origin: germline. Not counted in ClinVar's aggregate classification.

National Health Laboratory Service, Universitas Academic Hospital and University of the Free State
Classification: Likely benign for Hereditary breast ovarian cancer syndrome. Last evaluated: 2021-11-16. Review status: criteria provided, single submitter. Criteria: ACMG Guidelines, 2015. Collection method: clinical testing. Allele origin: germline. Affected: yes. Observed: 1 variant allele. Not counted in ClinVar's aggregate classification.

Women's Health and Genetics/Laboratory Corporation of America, LabCorp
Classification: Likely benign. Last evaluated: 2019-08-21. Review status: criteria provided, single submitter. Criteria: LabCorp Variant Classification Summary - May 2015. Collection method: clinical testing. Allele origin: germline. Not counted in ClinVar's aggregate classification.

Mendelics
Classification: Likely benign for Breast-ovarian cancer, familial, susceptibility to, 2. Last evaluated: 2019-05-28. Review status: criteria provided, single submitter. Criteria: Mendelics Assertion Criteria 2017. Collection method: clinical testing. Allele origin: unknown. Not counted in ClinVar's aggregate classification.

Color Diagnostics, LLC DBA Color Health
Classification: Likely benign for Hereditary cancer-predisposing syndrome. Last evaluated: 2015-10-26. Review status: criteria provided, single submitter. Criteria: ACMG Guidelines, 2015. Collection method: clinical testing. Allele origin: germline. Not counted in ClinVar's aggregate classification.

GeneDx
Classification: Benign. Last evaluated: 2015-03-03. Review status: criteria provided, single submitter. Criteria: GeneDx Variant Classification Process June 2021. Collection method: clinical testing. Allele origin: germline. Affected: yes. Not counted in ClinVar's aggregate classification.

Ambry Genetics
Classification: Likely benign for Hereditary cancer-predisposing syndrome. Last evaluated: 2014-08-22. Review status: criteria provided, single submitter. Criteria: Ambry Variant Classification Scheme 2023. Collection method: clinical testing. Allele origin: germline. Not counted in ClinVar's aggregate classification.

PreventionGenetics, part of Exact Sciences
Classification: Likely benign for BRCA2-related condition. Last evaluated: 2019-11-05. Review status: no assertion criteria provided. Collection method: clinical testing. Allele origin: germline. Not counted in ClinVar's aggregate classification.
Comment: This variant is classified as likely benign based on ACMG/AMP sequence variant interpretation guidelines (Richards et al. 2015 PMID: 25741868, with internal and published modifications).

Literature cited by the submitters: PubMed 25556971 (cited by Quest Diagnostics Nichols Institute San Juan Capistrano); PubMed 21120943 (cited by Quest Diagnostics Nichols Institute San Juan Capistrano); DOI 10.3389/fgene.2022.834265 (cited by National Health Laboratory Service, Universitas Academic Hospital and University of the Free State).